The following is an entry in ClinVar:

NM_000518.5(HBB):c.315+1del

Genes: HBB (hemoglobin subunit beta; minus strand), LOC106099062 (HBB recombination region; plus strand), LOC107133510 (origin of replication at HBB; plus strand), LOC110006319 (beta-globin gene 3' regulatory region; plus strand). Cytogenetic location: 11p15.4.
Variant type: Deletion.
Coding change: c.315+1del on transcript NM_000518.5 (MANE Select); the canonical splice donor site of the intron after coding-DNA position 315, one base deleted (G; older notation c.315+1delG).
Molecular consequence: splice donor variant.
Genome position (GRCh38, 1-based): chr11:5,226,576, C deleted on the plus strand (G on the coding strand, the reverse complement: HBB is on the minus strand); the first of 3 consecutive C bases (chr11:5,226,576-5,226,578); deleting any one gives the same sequence. VCF-style (leftmost placement, unchanged base first): chr11-5226575-AC-A. GRCh37 (hg19) VCF-style: chr11-5247805-AC-A.
Other names: CD 104 (-G); NC_000011.9:g.5247808del; c.315del (NM_000518.5); c.315+1del (NM_000518.4).
Identifiers: ClinVar variation 869353 (VCV000869353.4), dbSNP rs63750774, ClinGen allele CA217113394.

ClinVar aggregate classification (germline): Pathogenic. Review status: criteria provided, single submitter (1 of 4 stars). 2 submissions from 2 submitters: Pathogenic (1). 1 of the submissions does not count toward it. Last evaluated 2025-09-26.

Conditions:
beta Thalassemia (BTHAL). Also called: Cooley's anemia; Erythroblastic anemia; Mediterranean anemia. Identifiers: Orphanet 848, MedGen C0005283, MONDO:0019402. Disease mechanism: loss of function.

Submissions (3):

Quest Diagnostics Nichols Institute San Juan Capistrano
Classification: Pathogenic. Last evaluated: 2025-09-26. Review status: criteria provided, single submitter. Criteria: Quest Diagnostics criteria. Collection method: clinical testing. Allele origin: unknown.
Comment: The HBB c.315+1del variant disrupts a canonical splice-donor site and interferes with normal HBB mRNA splicing. This variant has been reported in the published literature in an individual in a heterozygous state with mild anemia and thalassemia intermedia (PMID: 17768122 (2007)). This variant has not been reported in large, multi-ethnic general populations (Genome Aggregation Database). Based on the available information, this variant is classified as pathogenic.

The ITHANET community portal, The Cyprus Institute of Neurology and Genetics
Classification: Pathogenic for beta Thalassemia. Last evaluated: 2019-11-25. Review status: no assertion criteria provided. Collection method: curation. Allele origin: germline. Not counted in ClinVar's aggregate classification.

Dr. Peter K. Rogan Lab, Western University
No classification provided (evidence only). Condition: Hepatocellular carcinoma. Review status: no classification provided. Collection method: in vitro. Allele origin: not applicable. Functional consequence: cryptic splice site. Not counted in ClinVar's aggregate classification.

Literature cited by the submitters: PubMed 17768122 (cited by Quest Diagnostics Nichols Institute San Juan Capistrano and The ITHANET community portal, The Cyprus Institute of Neurology and Genetics).